The following is an entry in ClinVar:

NM_025137.4(SPG11):c.1670A>G (p.Asn557Ser)

Gene: SPG11 (SPG11 vesicle trafficking associated, spatacsin; minus strand). Cytogenetic location: 15q21.1.
Variant type: single nucleotide variant.
Coding change: c.1670A>G on transcript NM_025137.4 (MANE Select); coding-DNA position 1670, A replaced by G.
Protein change: p.Asn557Ser; replaces asparagine 557 with serine.
Molecular consequence: missense variant.
Genome position (GRCh38, 1-based): chr15:44,633,570, T>C on the plus strand (A>G on the coding strand, the complement: SPG11 is on the minus strand). VCF-style: chr15-44633570-T-C. GRCh37 (hg19) VCF-style: chr15-44925768-T-C.
Other names: c.1670A>G, p.Asn557Ser (NM_001160227.2); c.1670A>G (NM_025137.3); short protein forms N557S.
Identifiers: ClinVar variation 1443340 (VCV001443340.7), dbSNP rs372263107, ClinGen allele CA7535479.

ClinVar aggregate classification (germline): Conflicting classifications of pathogenicity. Review status: criteria provided, conflicting classifications (1 of 4 stars). 2 submissions from 2 submitters: Uncertain significance (1); Likely benign (1). Last evaluated 2026-02-10.

Conditions:
Hereditary spastic paraplegia 11. Also called: Spastic paraplegia, mental retardation and thin corpus callosum; Nakamura Osame syndrome; Autosomal recessive hereditary spastic paraplegia, mental impairment, and thin corpus callosum; Spastic Paraplegia 11; SPASTIC PARAPLEGIA, AUTOSOMAL RECESSIVE, COMPLICATED, WITH THIN CORPUS CALLOSUM; SPASTIC PARAPLEGIA, AUTOSOMAL RECESSIVE, WITH MENTAL IMPAIRMENT AND THIN CORPUS CALLOSUM. Identifiers: Orphanet 2822, MedGen C1858479, MONDO:0011445, OMIM 604360.

Allele frequency attached by ClinVar (database versions not stated): gnomAD exomes 0.00001 and 0.00003; ExAC 0.00005; 1000 Genomes Project 0.00020; gnomAD 0.00021 and 0.00023; TOPMed 0.00029; 1000 Genomes Project 30x 0.00031; ESP Exome Variant Server 0.00031.
gnomAD v4.1: 48 of 1,612,732 alleles (0.003%); highest among the groups gnomAD compares: African/African-American, 0.061%; no homozygotes.

Submissions (2):

GeneDx
Classification: Uncertain significance. Last evaluated: 2026-02-10. Review status: criteria provided, single submitter. Criteria: GeneDx Variant Classification Process June 2021. Collection method: clinical testing. Allele origin: germline.
Comment: In silico analysis suggests that this missense variant does not alter protein structure/function; Has not been previously published as pathogenic or benign to our knowledge

Labcorp Genetics (formerly Invitae), Labcorp
Classification: Likely benign for Hereditary spastic paraplegia 11. Last evaluated: 2025-09-24. Review status: criteria provided, single submitter. Criteria: Invitae Variant Classification Sherloc (09022015). Collection method: clinical testing. Allele origin: germline.